The following is an entry in ClinVar:

ClinVar aggregate classification (germline): Uncertain significance (1 of 4 stars; one submission).

Conditions:
Spastic paraplegia. Identifiers: MedGen C0037772, HP:0001258.

Allele frequency attached by ClinVar (database versions not stated): TOPMed 0.00003; gnomAD exomes 0.00001; gnomAD 0.00003.

Submission:

Labcorp Genetics (formerly Invitae), Labcorp
Classification: Uncertain significance for Spastic paraplegia. Last evaluated: 2021-12-02. Review status: criteria provided, single submitter. Criteria: Invitae Variant Classification Sherloc (09022015). Collection method: clinical testing. Allele origin: germline.
Comment: This sequence change replaces glycine, which is neutral and non-polar, with serine, which is neutral and polar, at codon 267 of the FA2H protein (p.Gly267Ser). This variant is present in population databases (rs762987810, gnomAD 0.002%). This variant has not been reported in the literature in individuals affected with FA2H-related conditions. Advanced modeling of protein sequence and biophysical properties (such as structural, functional, and spatial information, amino acid conservation, physicochemical variation, residue mobility, and thermodynamic stability) performed at Invitae indicates that this missense variant is not expected to disrupt FA2H protein function. Algorithms developed to predict the effect of sequence changes on RNA splicing suggest that this variant may create or strengthen a splice site. In summary, the available evidence is currently insufficient to determine the role of this variant in disease. Therefore, it has been classified as a Variant of Uncertain Significance.

NM_024306.5(FA2H):c.799G>A (p.Gly267Ser)

Gene: FA2H (fatty acid 2-hydroxylase; minus strand). Cytogenetic location: 16q23.1.
Variant type: single nucleotide variant.
Coding change: c.799G>A on transcript NM_024306.5 (MANE Select); coding-DNA position 799, G replaced by A.
Protein change: p.Gly267Ser; replaces glycine 267 with serine.
Molecular consequence: missense variant.
Genome position (GRCh38, 1-based): chr16:74,716,587, C>T on the plus strand (G>A on the coding strand, the complement: FA2H is on the minus strand). VCF-style: chr16-74716587-C-T. GRCh37 (hg19) VCF-style: chr16-74750485-C-T.
Other names: short protein forms G267S.
Identifiers: ClinVar variation 1412786 (VCV001412786.5), dbSNP rs762987810, ClinGen allele CA8170379.